The following is an entry in ClinVar:

ClinVar aggregate classification (germline): Likely benign (1 of 4 stars; one submission).

gnomAD v4.1: 7,906 of 1,610,386 alleles (0.49%); highest among the groups gnomAD compares: Non-Finnish European, 0.62%; 25 homozygotes.

Submissions (16):

CeGaT Center for Human Genetics Tuebingen
Classification: Likely benign. Last evaluated: 2024-08-01. Review status: criteria provided, single submitter. Criteria: CeGaT Center For Human Genetics Tuebingen Variant Classification Criteria Version 2. Collection method: clinical testing. Allele origin: germline. Affected: yes. Observed: 1 variant allele.
Comment: CERS4: PP3, BS2

Dr. Peter K. Rogan Lab, Western University
No classification provided (evidence only). Condition: Clear cell carcinoma of kidney. Review status: no classification provided. Collection method: in vitro. Allele origin: not applicable. Functional consequence: retained intron. Not counted in ClinVar's aggregate classification.

Dr. Peter K. Rogan Lab, Western University
No classification provided (evidence only). Condition: Clear cell carcinoma of kidney. Review status: no classification provided. Collection method: in vitro. Allele origin: not applicable. Functional consequence: retained intron. Not counted in ClinVar's aggregate classification.

Dr. Peter K. Rogan Lab, Western University
No classification provided (evidence only). Condition: Clear cell carcinoma of kidney. Review status: no classification provided. Collection method: in vitro. Allele origin: not applicable. Functional consequence: retained intron. Not counted in ClinVar's aggregate classification.

Dr. Peter K. Rogan Lab, Western University
No classification provided (evidence only). Condition: Clear cell carcinoma of kidney. Review status: no classification provided. Collection method: in vitro. Allele origin: not applicable. Functional consequence: retained intron. Not counted in ClinVar's aggregate classification.

Dr. Peter K. Rogan Lab, Western University
No classification provided (evidence only). Condition: Clear cell carcinoma of kidney. Review status: no classification provided. Collection method: in vitro. Allele origin: not applicable. Functional consequence: retained intron. Not counted in ClinVar's aggregate classification.

Dr. Peter K. Rogan Lab, Western University
No classification provided (evidence only). Condition: Lung cancer. Review status: no classification provided. Collection method: in vitro. Allele origin: not applicable. Functional consequence: retained intron. Not counted in ClinVar's aggregate classification.

Dr. Peter K. Rogan Lab, Western University
No classification provided (evidence only). Condition: Lung cancer. Review status: no classification provided. Collection method: in vitro. Allele origin: not applicable. Functional consequence: retained intron. Not counted in ClinVar's aggregate classification.

Dr. Peter K. Rogan Lab, Western University
No classification provided (evidence only). Condition: Familial cancer of breast. Review status: no classification provided. Collection method: in vitro. Allele origin: not applicable. Functional consequence: retained intron. Not counted in ClinVar's aggregate classification.

Dr. Peter K. Rogan Lab, Western University
No classification provided (evidence only). Condition: Familial cancer of breast. Review status: no classification provided. Collection method: in vitro. Allele origin: not applicable. Functional consequence: retained intron. Not counted in ClinVar's aggregate classification.

Dr. Peter K. Rogan Lab, Western University
No classification provided (evidence only). Condition: Familial cancer of breast. Review status: no classification provided. Collection method: in vitro. Allele origin: not applicable. Functional consequence: skipped exon, retained intron. Not counted in ClinVar's aggregate classification.

Dr. Peter K. Rogan Lab, Western University
No classification provided (evidence only). Condition: Familial cancer of breast. Review status: no classification provided. Collection method: in vitro. Allele origin: not applicable. Functional consequence: retained intron. Not counted in ClinVar's aggregate classification.

Dr. Peter K. Rogan Lab, Western University
No classification provided (evidence only). Condition: Familial cancer of breast. Review status: no classification provided. Collection method: in vitro. Allele origin: not applicable. Functional consequence: skipped exon, retained intron. Not counted in ClinVar's aggregate classification.

Dr. Peter K. Rogan Lab, Western University
No classification provided (evidence only). Condition: Acute myeloid leukemia. Review status: no classification provided. Collection method: in vitro. Allele origin: not applicable. Functional consequence: retained intron. Not counted in ClinVar's aggregate classification.

Dr. Peter K. Rogan Lab, Western University
No classification provided (evidence only). Condition: Ovarian serous cystadenocarcinoma. Review status: no classification provided. Collection method: in vitro. Allele origin: not applicable. Functional consequence: retained intron. Not counted in ClinVar's aggregate classification.

Dr. Peter K. Rogan Lab, Western University
No classification provided (evidence only). Condition: Uveal melanoma. Review status: no classification provided. Collection method: in vitro. Allele origin: not applicable. Functional consequence: retained intron. Not counted in ClinVar's aggregate classification.

NM_024552.3(CERS4):c.520-5T>A

Gene: CERS4 (ceramide synthase 4; plus strand). Cytogenetic location: 19p13.2.
Variant type: single nucleotide variant.
Coding change: c.520-5T>A on transcript NM_024552.3 (MANE Select); 5 bases into the intron before coding-DNA position 520, T replaced by A.
Molecular consequence: intron variant.
Genome position (GRCh38, 1-based): chr19:8,256,613, T>A. VCF-style: chr19-8256613-T-A. GRCh37 (hg19) VCF-style: chr19-8321497-T-A.
Other names: NC_000019.9:g.8321497T>A.
Identifiers: ClinVar variation 3341548 (VCV003341548.17).
Genomic context (GRCh38, chr19:8,256,613, plus strand): 5'-AGCCATACCCCTGCCCGATTGGAGCCTTCGCTCCCCACAGCTAACCTTGTCCTGTCCTGC[T>A]GCAGACTCTGAAGCCATCCCTGTACTGGTGGTACCTCTTGGAGCTGGGTTTCTACCTCTC-3'